The following is an entry in ClinVar:

ClinVar aggregate classification (germline): Uncertain significance (1 of 4 stars; one submission).

Conditions:
Medulloblastoma (MDB). Also called: Medulloblastoma, somatic; MEDULLOBLASTOMA PREDISPOSITION SYNDROME. Identifiers: Orphanet 616, MedGen C0025149, MeSH D008527, MONDO:0007959, OMIM 155255, HP:0002885.
Gorlin syndrome. Also called: Nevoid Basal Cell Carcinoma Syndrome; Basal cell nevus syndrome. Identifiers: Orphanet 377, MedGen C0004779, MONDO:0007187.

Submission:

Labcorp Genetics (formerly Invitae), Labcorp
Classification: Uncertain significance for Gorlin syndrome; Medulloblastoma. Last evaluated: 2021-12-17. Review status: criteria provided, single submitter. Criteria: Invitae Variant Classification Sherloc (09022015). Collection method: clinical testing. Allele origin: germline.
Comment: In summary, the available evidence is currently insufficient to determine the role of this variant in disease. Therefore, it has been classified as a Variant of Uncertain Significance. This variant has not been reported in the literature in individuals affected with SUFU-related conditions. A copy number gain of the genomic region encompassing the full coding sequence of the SUFU gene has been identified. The boundaries of this event are unknown as they extend beyond the assayed region for this gene and therefore may encompass additional genes. As the precise location of this event is unknown, it may be in tandem or it may be located elsewhere in the genome.

NC_000010.10:g.(?_104262628)_(104595248_?)dup

Genes: ARL3 (ARF like GTPase 3; minus strand), CYP17A1 (cytochrome P450 family 17 subfamily A member 1; minus strand), SFXN2 (sideroflexin 2; plus strand), SUFU (SUFU negative regulator of hedgehog signaling; plus strand), TRIM8 (tripartite motif containing 8; plus strand) and 1 more. Cytogenetic location: 10q24.32.
Variant type: Duplication.
Identifiers: ClinVar variation 1499287 (VCV001499287.7).